The following is an entry in ClinVar:

NM_032043.3(BRIP1):c.3659A>G (p.Glu1220Gly)

Gene: BRIP1 (BRCA1 interacting DNA helicase 1; minus strand). Cytogenetic location: 17q23.2.
Variant type: single nucleotide variant.
Coding change: c.3659A>G on transcript NM_032043.3 (MANE Select); coding-DNA position 3659, A replaced by G.
Protein change: p.Glu1220Gly; replaces glutamic acid 1220 with glycine.
Molecular consequence: missense variant.
Genome position (GRCh38, 1-based): chr17:61,683,387, T>C on the plus strand (A>G on the coding strand, the complement: BRIP1 is on the minus strand). VCF-style: chr17-61683387-T-C. GRCh37 (hg19) VCF-style: chr17-59760748-T-C.
Other names: short protein forms E1220G.
Identifiers: ClinVar variation 840400 (VCV000840400.6), dbSNP rs2061298409, ClinGen allele CA400477881.

ClinVar aggregate classification (germline): Uncertain significance. Review status: criteria provided, multiple submitters, no conflicts (2 of 4 stars). 2 submissions from 2 submitters: Uncertain significance (2). Last evaluated 2025-01-05.

Conditions:
Hereditary cancer-predisposing syndrome. Also called: Neoplastic Syndromes, Hereditary; Hereditary neoplastic syndrome; Tumor predisposition; Hereditary Cancer Syndrome. Identifiers: Orphanet 140162, MedGen C0027672, MeSH D009386, MONDO:0015356.
Fanconi anemia complementation group J. Also called: BRIP1-Related Fanconi Anemia. Identifiers: Orphanet 84, MedGen C1836860, MONDO:0012187, OMIM 609054.
Familial cancer of breast. Also called: hereditary breast carcinoma; BREAST CANCER, FAMILIAL; Hereditary breast cancer. Identifiers: Orphanet 227535, MedGen C0346153, MONDO:0016419, OMIM 114480. Disease mechanism: loss of function.

Submissions (2):

Ambry Genetics
Classification: Uncertain significance for Hereditary cancer-predisposing syndrome. Last evaluated: 2025-01-05. Review status: criteria provided, single submitter. Criteria: Ambry Variant Classification Scheme 2023. Collection method: clinical testing. Allele origin: germline.
Comment: The p.E1220G variant (also known as c.3659A>G), located in coding exon 19 of the BRIP1 gene, results from an A to G substitution at nucleotide position 3659. The glutamic acid at codon 1220 is replaced by glycine, an amino acid with similar properties. This amino acid position is conserved. In addition, this alteration is predicted to be tolerated by in silico analysis. Based on the available evidence, the clinical significance of this variant remains unclear.

Labcorp Genetics (formerly Invitae), Labcorp
Classification: Uncertain significance for Familial cancer of breast; Fanconi anemia complementation group J. Last evaluated: 2023-06-04. Review status: criteria provided, single submitter. Criteria: Invitae Variant Classification Sherloc (09022015). Collection method: clinical testing. Allele origin: germline.
Comment: In summary, the available evidence is currently insufficient to determine the role of this variant in disease. Therefore, it has been classified as a Variant of Uncertain Significance. An algorithm developed to predict the effect of missense changes on protein structure and function (PolyPhen-2) suggests that this variant is likely to be tolerated. ClinVar contains an entry for this variant (Variation ID: 840400). This variant has not been reported in the literature in individuals affected with BRIP1-related conditions. This variant is not present in population databases (gnomAD no frequency). This sequence change replaces glutamic acid, which is acidic and polar, with glycine, which is neutral and non-polar, at codon 1220 of the BRIP1 protein (p.Glu1220Gly).